The following is an entry in ClinVar:

ClinVar aggregate classification (germline): Uncertain significance (1 of 4 stars; one submission).

Conditions:
Autosomal dominant polycystic kidney disease. Identifiers: Orphanet 730, MedGen C0085413, MONDO:0004691.

gnomAD v4.1: 11 of 1,513,596 alleles (0.00073%); highest among the groups gnomAD compares: Non-Finnish European, 0.00097%; no homozygotes.

Submission:

Labcorp Genetics (formerly Invitae), Labcorp
Classification: Uncertain significance for Autosomal dominant polycystic kidney disease. Last evaluated: 2025-12-23. Review status: criteria provided, single submitter. Criteria: Invitae Variant Classification Sherloc (09022015). Collection method: clinical testing. Allele origin: germline.
Comment: This sequence change replaces serine, which is neutral and polar, with leucine, which is neutral and non-polar, at codon 125 of the PKD2 protein (p.Ser125Leu). This variant is present in population databases (no rsID available, gnomAD 0.01%). This variant has not been reported in the literature in individuals affected with PKD2-related conditions. ClinVar contains an entry for this variant (Variation ID: 3711043). An algorithm developed to predict the effect of missense changes on protein structure and function (PolyPhen-2) suggests that this variant is likely to be tolerated. In summary, the available evidence is currently insufficient to determine the role of this variant in disease. Therefore, it has been classified as a Variant of Uncertain Significance.

NM_000297.4(PKD2):c.374C>T (p.Ser125Leu)

Genes: PKD2 (polycystin 2, transient receptor potential cation channel; plus strand), LOC129992813 (ATAC-STARR-seq lymphoblastoid silent region 15559; plus strand). Cytogenetic location: 4q22.1.
Variant type: single nucleotide variant.
Coding change: c.374C>T on transcript NM_000297.4 (MANE Select); coding-DNA position 374, C replaced by T.
Protein change: p.Ser125Leu; replaces serine 125 with leucine.
Molecular consequence: missense variant. On other transcripts: non-coding transcript variant (1).
Genome position (GRCh38, 1-based): chr4:88,008,107, C>T. VCF-style: chr4-88008107-C-T. GRCh37 (hg19) VCF-style: chr4-88929259-C-T.
Other names: short protein forms S125L.
Identifiers: ClinVar variation 3711043 (VCV003711043.2).